The following is an entry in ClinVar:

ClinVar aggregate classification (germline): Uncertain significance (1 of 4 stars; one submission).

gnomAD v4.1: 1 of 1,609,782 alleles (0.000062%); highest among the groups gnomAD compares: East Asian, 0.0022%; no homozygotes.

Submission:

Labcorp Genetics (formerly Invitae), Labcorp
Classification: Uncertain significance. Last evaluated: 2023-05-20. Review status: criteria provided, single submitter. Criteria: Invitae Variant Classification Sherloc (09022015). Collection method: clinical testing. Allele origin: germline.
Comment: This variant is not present in population databases (gnomAD no frequency). This variant has not been reported in the literature in individuals affected with RPL15-related conditions. Algorithms developed to predict the effect of sequence changes on RNA splicing suggest that this variant may create or strengthen a splice site. In summary, the available evidence is currently insufficient to determine the role of this variant in disease. Therefore, it has been classified as a Variant of Uncertain Significance. This sequence change affects codon 57 of the RPL15 mRNA. It is a 'silent' change, meaning that it does not change the encoded amino acid sequence of the RPL15 protein. It affects a nucleotide within the consensus splice site.

NM_002948.5(RPL15):c.171A>G (p.Gln57=)

Genes: NKIRAS1 (NFKB inhibitor interacting Ras like 1; minus strand), RPL15 (ribosomal protein L15; plus strand). Cytogenetic location: 3p24.2.
Variant type: single nucleotide variant.
Coding change: c.171A>G on transcript NM_002948.5 (MANE Select); coding-DNA position 171, A replaced by G.
Protein change: p.Gln57=; no amino-acid change (glutamine 57 retained).
Molecular consequence: synonymous variant. On other transcripts: intron variant (1).
Genome position (GRCh38, 1-based): chr3:23,918,030, A>G. VCF-style: chr3-23918030-A-G. GRCh37 (hg19) VCF-style: chr3-23959521-A-G.
Other names: c.171A>G, p.Gln57= (NM_001253379.2, NM_001253380.2, NM_001253382.2 and 2 more transcripts); c.-139-6580T>C (NM_001377380.1).
Identifiers: ClinVar variation 2863486 (VCV002863486.3), dbSNP rs1388735901, ClinGen allele CA432837559.
Genomic context (GRCh38, chr3:23,918,030, plus strand): 5'-CAGGGCTCCCCGCCCCACCCGGCCTGATAAAGCGCGCCGACTGGGCTACAAGGCCAAGCA[A>G]GGTACGTGATCGACTGCGTGGATGCTTGGATAAAATTATATTCGAGAAAAGTTGGAAACC-3'
Protein context (NP_002939.2, residues 47-67): KARRLGYKAK[Gln57=]GYVIYRIRVR